The following is an entry in ClinVar:

ClinVar aggregate classification (germline): Uncertain significance (1 of 4 stars; one submission).

Conditions:
Surfactant metabolism dysfunction, pulmonary, 4 (SMDP4). Also called: CSF2RA DEFICIENCY; PAP DUE TO CSF2RA DEFICIENCY; PULMONARY ALVEOLAR PROTEINOSIS, CONGENITAL, 4. Identifiers: Orphanet 264675, MedGen C2677877, MONDO:0010424, OMIM 300770.

Submission:

Labcorp Genetics (formerly Invitae), Labcorp
Classification: Uncertain significance for Surfactant metabolism dysfunction, pulmonary, 4. Last evaluated: 2022-02-18. Review status: criteria provided, single submitter. Criteria: Invitae Variant Classification Sherloc (09022015). Collection method: clinical testing. Allele origin: germline.
Comment: This sequence change replaces cysteine, which is neutral and slightly polar, with arginine, which is basic and polar, at codon 228 of the CSF2RA protein (p.Cys228Arg). This variant is not present in population databases (gnomAD no frequency). In summary, the available evidence is currently insufficient to determine the role of this variant in disease. Therefore, it has been classified as a Variant of Uncertain Significance. Algorithms developed to predict the effect of missense changes on protein structure and function are either unavailable or do not agree on the potential impact of this missense change (SIFT: "Deleterious"; PolyPhen-2: "Probably Damaging"; Align-GVGD: "Class C0"). ClinVar contains an entry for this variant (Variation ID: 962606). This variant has not been reported in the literature in individuals affected with CSF2RA-related conditions.

NM_172245.4(CSF2RA):c.682T>C (p.Cys228Arg)

Gene: CSF2RA (colony stimulating factor 2 receptor subunit alpha; plus strand). Cytogenetic location: Xp22.33.
Variant type: single nucleotide variant.
Coding change: c.682T>C on transcript NM_172245.4 (MANE Select); coding-DNA position 682, T replaced by C.
Protein change: p.Cys228Arg; replaces cysteine 228 with arginine.
Molecular consequence: missense variant. On other transcripts: non-coding transcript variant (1), intron variant (1), synonymous variant (1).
Genome position (GRCh38, 1-based): chrX:1,294,363, T>C. VCF-style: chrX-1294363-T-C. GRCh37 (hg19) VCF-style: chrX-1413256-T-C.
Other names: c.682T>C, p.Cys228Arg (NM_172246.4, NM_172247.3, NM_001161529.2 and 18 more transcripts); c.646+3854T>C (NM_172249.4); c.283T>C, p.Cys95Arg (NM_001161532.2); c.663T>C, p.Val221= (NM_001379166.1); short protein forms C228R, C95R.
Identifiers: ClinVar variation 962606 (VCV000962606.9), dbSNP rs2091712486, ClinGen allele CA412235927.